The following is an entry in ClinVar:

ClinVar aggregate classification (germline): Conflicting classifications of pathogenicity. Review status: criteria provided, conflicting classifications (1 of 4 stars). 4 submissions from 4 submitters: Uncertain significance (2); Likely benign (2). Last evaluated 2025-10-01.

Conditions:
Autosomal recessive nonsyndromic hearing loss 29. Identifiers: Orphanet 90636, MedGen C3279660, MONDO:0013537, OMIM 614035.

Allele frequency attached by ClinVar (database versions not stated): gnomAD exomes 0.00004; ExAC 0.00005; TOPMed 0.00006; gnomAD 0.00008.
gnomAD v4.1: 160 of 1,612,852 alleles (0.0099%); highest among the groups gnomAD compares: Non-Finnish European, 0.012%; no homozygotes.

Submissions (4):

CeGaT Center for Human Genetics Tuebingen
Classification: Likely benign. Last evaluated: 2025-10-01. Review status: criteria provided, single submitter. Criteria: CeGaT Center For Human Genetics Tuebingen Variant Classification Criteria Version 2. Collection method: clinical testing. Allele origin: germline. Affected: yes. Observed: 1 variant allele.
Comment: CLDN14: BP4, BP7

Labcorp Genetics (formerly Invitae), Labcorp
Classification: Likely benign. Last evaluated: 2022-03-04. Review status: criteria provided, single submitter. Criteria: Invitae Variant Classification Sherloc (09022015). Collection method: clinical testing. Allele origin: germline.

Fulgent Genetics
Classification: Uncertain significance for Autosomal recessive nonsyndromic hearing loss 29. Last evaluated: 2021-07-14. Review status: criteria provided, single submitter. Criteria: ACMG Guidelines, 2015. Collection method: clinical testing. Allele origin: unknown.

Eurofins Ntd Llc (ga)
Classification: Uncertain significance. Last evaluated: 2016-09-08. Review status: criteria provided, single submitter. Criteria: EGL Classification Definitions 2015. Collection method: clinical testing. Allele origin: germline. Observed: 1 variant allele, 1 heterozygote.

NM_001146079.2(CLDN14):c.321C>T (p.Cys107=)

Genes: CLDN14 (claudin 14; minus strand), CLDN14-AS1 (CLDN14 antisense RNA 1; plus strand). Cytogenetic location: 21q22.13.
Variant type: single nucleotide variant.
Coding change: c.321C>T on transcript NM_001146079.2 (MANE Select); coding-DNA position 321, C replaced by T.
Protein change: p.Cys107=; no amino-acid change (cysteine 107 retained).
Molecular consequence: synonymous variant.
Genome position (GRCh38, 1-based): chr21:36,461,375, G>A on the plus strand (C>T on the coding strand, the complement: CLDN14 is on the minus strand). VCF-style: chr21-36461375-G-A. GRCh37 (hg19) VCF-style: chr21-37833673-G-A.
Other names: c.321C>T, p.Cys107= (NM_001146077.2, NM_001146078.3, NM_012130.4 and 1 more transcripts).
Identifiers: ClinVar variation 290065 (VCV000290065.17), dbSNP rs764548516, ClinGen allele CA10019289.